The following is an entry in ClinVar:

NM_006842.3(SF3B2):c.1274A>G (p.Glu425Gly)

Gene: SF3B2 (splicing factor 3b subunit 2; plus strand). Cytogenetic location: 11q13.1.
Variant type: single nucleotide variant.
Coding change: c.1274A>G on transcript NM_006842.3 (MANE Select); coding-DNA position 1274, A replaced by G.
Protein change: p.Glu425Gly; replaces glutamic acid 425 with glycine.
Molecular consequence: missense variant.
Genome position (GRCh38, 1-based): chr11:66,059,292, A>G. VCF-style: chr11-66059292-A-G. GRCh37 (hg19) VCF-style: chr11-65826763-A-G.
Other names: short protein forms E425G.
Identifiers: ClinVar variation 2577691 (VCV002577691.1), dbSNP rs990174520, ClinGen allele CA224043678.

ClinVar aggregate classification (germline): Uncertain significance (1 of 4 stars; one submission).

Allele frequency attached by ClinVar (database versions not stated): gnomAD 0.00001; TOPMed 0.00001.
gnomAD v4.1: 1 of 1,613,932 alleles (0.000062%); highest among the groups gnomAD compares: African/African-American, 0.0013%; no homozygotes.

Submission:

GeneDx
Classification: Uncertain significance. Last evaluated: 2023-02-23. Review status: criteria provided, single submitter. Criteria: GeneDx Variant Classification Process June 2021. Collection method: clinical testing. Allele origin: germline. Affected: yes.
Comment: Not observed at significant frequency in large population cohorts (gnomAD); In silico analysis supports that this missense variant does not alter protein structure/function; Has not been previously published as pathogenic or benign to our knowledge